The following is an entry in ClinVar:

ClinVar aggregate classification (germline): Uncertain significance (1 of 4 stars; one submission).

Conditions:
Peroxisome biogenesis disorder 7A (Zellweger). Also called: Peroxisome biogenesis disorder 7A. Identifiers: Orphanet 912, MedGen C3888385, MONDO:0013938, OMIM 614872.
Peroxisome biogenesis disorder 7B (PBD7B). Identifiers: Orphanet 44, MedGen C3553951, MONDO:0013939, OMIM 614873.

Allele frequency attached by ClinVar (database versions not stated): gnomAD exomes 0.00001.

Submission:

Labcorp Genetics (formerly Invitae), Labcorp
Classification: Uncertain significance for Peroxisome biogenesis disorder 7A (Zellweger); Peroxisome biogenesis disorder 7B. Last evaluated: 2023-12-11. Review status: criteria provided, single submitter. Criteria: Invitae Variant Classification Sherloc (09022015). Collection method: clinical testing. Allele origin: germline.
Comment: This sequence change replaces leucine, which is neutral and non-polar, with phenylalanine, which is neutral and non-polar, at codon 15 of the PEX26 protein (p.Leu15Phe). This variant is present in population databases (no rsID available, gnomAD 0.007%). This variant has not been reported in the literature in individuals affected with PEX26-related conditions. ClinVar contains an entry for this variant (Variation ID: 2415592). An algorithm developed to predict the effect of missense changes on protein structure and function (PolyPhen-2) suggests that this variant is likely to be disruptive. In summary, the available evidence is currently insufficient to determine the role of this variant in disease. Therefore, it has been classified as a Variant of Uncertain Significance.

NM_001127649.3(PEX26):c.43C>T (p.Leu15Phe)

Gene: PEX26 (peroxisomal biogenesis factor 26; plus strand). Cytogenetic location: 22q11.21.
Variant type: single nucleotide variant.
Coding change: c.43C>T on transcript NM_001127649.3 (MANE Select); coding-DNA position 43, C replaced by T.
Protein change: p.Leu15Phe; replaces leucine 15 with phenylalanine.
Molecular consequence: missense variant.
Genome position (GRCh38, 1-based): chr22:18,078,419, C>T. VCF-style: chr22-18078419-C-T. GRCh37 (hg19) VCF-style: chr22-18561185-C-T.
Other names: c.43C>T, p.Leu15Phe (NM_001199319.2, NM_017929.6); short protein forms L15F.
Identifiers: ClinVar variation 2415592 (VCV002415592.4), dbSNP rs1051110181, ClinGen allele CA410264167.